The following is an entry in ClinVar:

ClinVar aggregate classification (germline): Pathogenic (1 of 4 stars; one submission).

Submission:

Quest Diagnostics Nichols Institute San Juan Capistrano
Classification: Pathogenic. Last evaluated: 2023-03-30. Review status: criteria provided, single submitter. Criteria: ACMG/ClinGen CNV Guidelines, 2019. Collection method: clinical testing. Allele origin: unknown.
Comment: Inherited and de novo deletions involving 16p13.11 have been implicated in variable phenotypes ranging from unaffected to neurodevelopmental disorders with intellectual disability (Tropeano et al. PLoS One. 2013 Apr 18;8(4):e61365. PMID: 23637818; Nagamani et al., Eur J Hum Genet. 2010 19(3):280-6, PMID: 21150890; Hannes et al., 2009. J Med Genet. 46(4):223-32, PMID: 18550696; Ullmann et al., 2007. Hum Mutat. 28(7):674-82, PMID: 17480035; Rehm et al., N Engl J Med. 2015 Jun 4;372(23):2235-42. PMID: 26014595 ISCA-37415). Inheritance from a normal or mildly affected parent has been reported, suggesting incomplete penetrance and variable expressivity. This copy number loss is classified as pathogenic.

GRCh37/hg19 16p13.11(chr16:15358446-16494783)x1

Genes: ABCC1 (ATP binding cassette subfamily C member 1 (ABCC1 blood group); plus strand), ABCC6 (ATP binding cassette subfamily C member 6; minus strand), BMERB1 (bMERB domain containing 1; plus strand), CEP20 (centrosomal protein 20; minus strand), MARF1 (meiosis regulator and mRNA stability factor 1; minus strand) and 5 more. Cytogenetic location: 16p13.11.
Variant type: copy number loss.
Change: copy number 1 (one copy instead of two) of chr16:15,358,446-16,494,783 (1.14 Mb, GRCh37 coordinates, 1-based), cytogenetic band 16p13.11.
Identifiers: ClinVar variation 2685560 (VCV002685560.1).